The following is an entry in ClinVar:

ClinVar aggregate classification (germline): Uncertain significance (1 of 4 stars; one submission).

Submission:

GeneDx
Classification: Uncertain significance. Last evaluated: 2018-02-15. Review status: criteria provided, single submitter. Criteria: GeneDx Variant Classification (06012015). Collection method: clinical testing. Allele origin: germline. Affected: yes.
Comment: The c.10794delT variant has not been published as a pathogenic variant, nor has it been reported as a benign variant to our knowledge. This variant is not observed in large population cohorts (Lek et al., 2016). The c.10794delT variant causes a frameshift starting with codon Histidine 3599, changes this amino acid to a Threonine residue and creates a premature Stop codon at position 29 of the new reading frame, denoted p.His3599ThrfsX29. This variant is predicted to cause loss of normal protein function through either protein truncation or nonsense-mediated mRNA decay. However, the c.10794delT variant is not located in the A-band nor the M-line region of titin, where the majority of pathogenic truncating variants have been reported.

NM_001267550.2(TTN):c.11745del (p.His3916fs)

Gene: TTN (titin; minus strand). Cytogenetic location: 2q31.2.
Variant type: Deletion.
Coding change: c.11745del on transcript NM_001267550.2 (MANE Select); coding-DNA position 11745, one base deleted (T; older notation c.11745delT).
Protein change: p.His3916fs; shifts the reading frame from histidine 3916.
Molecular consequence: frameshift variant. On other transcripts: intron variant (1).
Genome position (GRCh38, 1-based): chr2:178,741,488, A deleted on the plus strand (T on the coding strand, the reverse complement: TTN is on the minus strand). VCF-style (leftmost placement, unchanged base first): chr2-178741487-GA-G. GRCh37 (hg19) VCF-style: chr2-179606214-GA-G.
Other names: c.10794del, p.His3599fs (NM_001256850.1); c.10656del, p.His3553fs (NM_003319.4); c.11031del, p.His3678fs (NM_133432.3); c.11232del, p.His3745fs (NM_133437.4); c.10361-3128del (NM_133378.4); c.10794delT (NM_001256850.1); short protein forms H3599fs, H3745fs, H3553fs, H3678fs, H3916fs.
Identifiers: ClinVar variation 504306 (VCV000504306.1), dbSNP rs1553941674, ClinGen allele CA658796094.